The following is an entry in ClinVar:

ClinVar aggregate classification (germline): Pathogenic. Review status: criteria provided, multiple submitters, no conflicts (2 of 4 stars). 16 submissions from 16 submitters: Pathogenic (15). 1 of the submissions does not count toward it. Last evaluated 2026-06-05.

Conditions:
GJB6-related disorder. Also called: GJB6-related disorders.
Inborn genetic diseases. Identifiers: MedGen C0950123, MeSH D030342.
Autosomal dominant nonsyndromic hearing loss 3B. Identifiers: Orphanet 90635, MedGen C2675237, MONDO:0012975, OMIM 612643.
Autosomal recessive nonsyndromic hearing loss 1B. Also called: DEAFNESS, AUTOSOMAL RECESSIVE 1B. Identifiers: Orphanet 90636, MedGen C2675235, MONDO:0012977, OMIM 612645.
Hidrotic ectodermal dysplasia syndrome (GJB6). Also called: Ectodermal dysplasia 2, hidrotic; Hidrotic ectodermal dysplasia; Autosomal dominant hidrotic ectodermal dysplasia; Clouston syndrome; Clouston's hidrotic ectodermal dysplasia; ECTODERMAL DYSPLASIA 2, CLOUSTON TYPE. Identifiers: Orphanet 189, MedGen C0162361, MONDO:0007510, OMIM 129500.
Autosomal recessive nonsyndromic hearing loss 1A (DFNB1A). Also called: Connexin 26 deafness; Deafness nonsyndromic, Connexin 26 linked; Deafness, autosomal recessive 1A; GJB6-Related DFNB 1 Nonsyndromic Hearing Loss and Deafness; GJB2-Related Autosomal Recessive Nonsyndromic Hearing Loss; Nonsyndromic Hearing Loss and Deafness, DFNB1. Identifiers: Orphanet 90636, MedGen C2673759, MONDO:0009076, OMIM 220290.

Allele frequency attached by ClinVar (database versions not stated): TOPMed below 0.00001; gnomAD exomes below 0.00001; gnomAD 0.00001.
gnomAD v4.1: 2 of 1,613,950 alleles (0.00012%); highest among the groups gnomAD compares: Non-Finnish European, 0.00017%; no homozygotes.

Submissions 1 to 8 of 16:

Lupski Lab, Baylor-Hopkins CMG, Baylor College of Medicine
Classification: Pathogenic for Hidrotic ectodermal dysplasia syndrome. Last evaluated: 2026-06-05. Review status: criteria provided, single submitter. Criteria: ACMG Guidelines, 2015. Collection method: research. Allele origin: de novo. Inheritance: Autosomal dominant inheritance. Affected: yes. Observed: 1 variant allele, 1 heterozygote.
Comment: This variant is rare with no homozygous allele counts in gnomAD (PM2_Supporting= +1pt). Computational prediction tools support a deleterious effect on the gene (Franklin aggregated score: 0.837) (PP3_Supporting= +1pt). An equivalent variant at this position (c.31G>C), is classified as a Pathogenic, 1-star variant by ClinVar (PS1_Strong= +4pts). 6 P/LP and 0 Benign reported variants were found in a 282bp region surrounding this variant in exon 5 (PM1_Supporting= +1pt). 11 pts (PS2 +4, PM2 +1, PP3 +1,PS1 +4, PM1 +1).

PreventionGenetics, part of Exact Sciences
Classification: Pathogenic for GJB6-related condition. Last evaluated: 2026-03-18. Review status: criteria provided, single submitter. Criteria: ACMG Guidelines, 2015. Collection method: clinical testing. Allele origin: germline.
Comment: The GJB6 c.31G>A variant is predicted to result in the amino acid substitution p.Gly11Arg. This variant has been reported in individuals with hidrotic ectodermal dysplasia also know as Clouston syndrome (Lamartine et al. 2000. PubMed ID: 11017065; Common et al. 2002. PubMed ID: 12419304; Zhang et al. 2003. PubMed ID: 12788524; Chen et al. 2010. PubMed ID: 20536673; Liu et al. 2013. PubMed ID: 23926005; Mousumi et al. 2013. PubMed ID: 23981984; Qiao et al. 2016. PubMed ID: 27817781; Liao et al. 2023. PubMed ID: 36926140; Table S1, Svendsen et al. 2014. PubMed ID: 24514865; Pietrzak et al. 2015. PubMed ID: 26551294; Khatter et al. 2019. PubMed ID: 30983611). Of note, an alternate variant impacting the same amino acid and leading to the same amino acid change was found heterozygous in a Lebanese-German family with ectodermal dysplasia / Clouston syndrome [c.31G>C (p.Gly11Arg), Fujimoto et al 2012. PubMed ID: 23219093). Functional studies have shown that this variant impacts protein function (Common et al. 2002. PubMed ID: 12419304; Essenfelder et al. 2004. PubMed ID: 15213106; Di et al. 2005. PubMed ID: 15769851; Lu at al. 2018. PubMed ID: 30043857. This variant is reported in 0.00088% of alleles in individuals of European (Non-Finnish) descent in gnomAD. This variant is interpreted as pathogenic.

Ambry Genetics
Classification: Pathogenic for Inborn genetic diseases. Last evaluated: 2026-03-04. Review status: criteria provided, single submitter. Criteria: Ambry Variant Classification Scheme 2023. Collection method: clinical testing. Allele origin: germline.
Comment: The c.31G>A (p.G11R) alteration is located in exon 3 (coding exon 1) of the GJB6 gene. This alteration results from a G to A substitution at nucleotide position 31, causing the glycine (G) at amino acid position 11 to be replaced by an arginine (R). Based on data from gnomAD, the A allele has an overall frequency of <0.001% (1/250650) total alleles studied. The highest observed frequency was 0.001% (1/113054) of European (non-Finnish) alleles. This variant was identified in one or more individuals with features consistent with GJB6-related ectodermal dysplasia and segregated with disease in at least one family (Lamartine, 2000; Zhang, 2003; Mousumi, 2013; Svendsen, 2014; Khatter, 2019). This amino acid position is well conserved in available vertebrate species. This alteration is predicted to be deleterious by in silico analysis. Based on the available evidence, this alteration is classified as pathogenic.

Labcorp Genetics (formerly Invitae), Labcorp
Classification: Pathogenic for Autosomal dominant nonsyndromic hearing loss 3B; Hidrotic ectodermal dysplasia syndrome; Autosomal recessive nonsyndromic hearing loss 1B; Autosomal recessive nonsyndromic hearing loss 1A. Last evaluated: 2025-11-06. Review status: criteria provided, single submitter. Criteria: Invitae Variant Classification Sherloc (09022015). Collection method: clinical testing. Allele origin: germline.
Comment: This sequence change replaces glycine, which is neutral and non-polar, with arginine, which is basic and polar, at codon 11 of the GJB6 protein (p.Gly11Arg). This variant is present in population databases (rs104894415, gnomAD 0.0009%). This missense change has been observed in individual(s) with ectodermal dysplasia (PMID: 11017065, 12788524, 23926005, 23981984, 24514865, 26551294, 27817781). It has also been observed to segregate with disease in related individuals. ClinVar contains an entry for this variant (Variation ID: 5544). Invitae Evidence Modeling of protein sequence and biophysical properties (such as structural, functional, and spatial information, amino acid conservation, physicochemical variation, residue mobility, and thermodynamic stability) indicates that this missense variant is not expected to disrupt GJB6 protein function with a negative predictive value of 80%. Experimental studies have shown that this missense change affects GJB6 function (PMID: 12419304, 15213106, 15769851). For these reasons, this variant has been classified as Pathogenic.

CeGaT Center for Human Genetics Tuebingen
Classification: Pathogenic. Last evaluated: 2025-05-01. Review status: criteria provided, single submitter. Criteria: CeGaT Center For Human Genetics Tuebingen Variant Classification Criteria Version 2. Collection method: clinical testing. Allele origin: germline. Affected: yes. Observed: 5 variant alleles.
Comment: GJB6: PP1:Strong, PS1, PM2, PS3:Moderate, PS4:Moderate

Victorian Clinical Genetics Services, Murdoch Childrens Research Institute
Classification: Pathogenic for Hidrotic ectodermal dysplasia syndrome. Last evaluated: 2024-10-09. Review status: criteria provided, single submitter. Criteria: ACMG Guidelines, 2015. Collection method: clinical testing. Allele origin: germline. Inheritance: Autosomal dominant inheritance. Affected: yes.
Comment: Based on the classification scheme VCGS_Germline_v1.3.4, this variant is classified as Pathogenic. Following criteria are met: 0103 - Dominant negative, loss of function and gain of function are known mechanisms of disease in this gene. Loss of function premature termination codon variants are associated with deafness 1B (MIM#612645) and autosomal recessive digenic GJB2/GJB6 deafness (MIM#220290). Dominant negative missense variants are associated with autosomal dominant deafness 3B (MIM#612643) (PMID: 10471490). Gain of function missense variants are associated with autosomal dominant ectodermal dysplasia 2 (MIM#129500) (PMID: 15213106). (I) 0108 - This gene is associated with both recessive and dominant disease. (I) 0200 - Variant is predicted to result in a missense amino acid change from glycine to arginine. (I) 0251 - This variant is heterozygous. (I) 0304 - Variant is present in gnomAD (v2) <0.01 (1 heterozygote, 0 homozygotes). (SP) 0501 - Missense variant consistently predicted to be damaging by multiple in silico tools or highly conserved with a major amino acid change. (SP) 0600 - Variant is located in the annotated connexin domain (DECIPHER). (I) 0801 - This variant has strong previous evidence of pathogenicity in unrelated individuals. This variant has been observed in multiple unrelated individuals with ectodermal dysplasia (ClinVar, PMID: 36926140). (I) Legend: (SP) - Supporting pathogenic, (I) - Information, (SB) - Supporting benign

Blueprint Genetics
Classification: Pathogenic for GJB6-related disorders. Last evaluated: 2024-08-16. Review status: criteria provided, single submitter. Criteria: ACMG Guidelines, 2015. Collection method: clinical testing. Allele origin: germline. Affected: yes. Observed: 5 variant alleles.

Fulgent Genetics
Classification: Pathogenic for Hidrotic ectodermal dysplasia syndrome; Autosomal recessive nonsyndromic hearing loss 1A; Autosomal dominant nonsyndromic hearing loss 3B; Autosomal recessive nonsyndromic hearing loss 1B. Last evaluated: 2024-03-20. Review status: criteria provided, single submitter. Criteria: ACMG Guidelines, 2015. Collection method: clinical testing. Allele origin: germline.

NM_001110219.3(GJB6):c.31G>A (p.Gly11Arg)

Gene: GJB6 (gap junction protein beta 6; minus strand). Cytogenetic location: 13q12.11.
Variant type: single nucleotide variant.
Coding change: c.31G>A on transcript NM_001110219.3 (MANE Select); coding-DNA position 31, G replaced by A.
Protein change: p.Gly11Arg; replaces glycine 11 with arginine.
Molecular consequence: missense variant.
Genome position (GRCh38, 1-based): chr13:20,223,450, C>T on the plus strand (G>A on the coding strand, the complement: GJB6 is on the minus strand). VCF-style: chr13-20223450-C-T. GRCh37 (hg19) VCF-style: chr13-20797589-C-T.
Other names: c.31G>A (NM_001110221.2); c.31G>A, p.Gly11Arg (NM_001110220.3, NM_001110221.3, NM_001370090.1 and 3 more transcripts); short protein forms G11R.
Identifiers: ClinVar variation 5544 (VCV000005544.56), dbSNP rs104894415, ClinGen allele CA253526.
Genomic context (GRCh38, chr13:20,223,450, plus strand): 5'-AAATAAAGATGACTGTGATCCACACCTTCCCGATGCTGGTGGAGTGTTTGTTGACACCCC[C>T]GATGAAAGTGTGCAGCGTCCCCCAATCCATTGCGCTGGTTTATCCCTAAACAGACAAAAG-3'
Protein context (NP_001103689.1, residues 1-21): MDWGTLHTFI[Gly11Arg]GVNKHSTSIG